The following is an entry in ClinVar:

ClinVar aggregate classification (germline): Uncertain significance (1 of 4 stars; one submission).

Conditions:
Familial thoracic aortic aneurysm and aortic dissection (TAAD). Also called: Thoracic aortic aneurysms and dissections. Identifiers: Orphanet 91387, MedGen C4707243, MONDO:0019625.

gnomAD v4.1: 5 of 1,613,648 alleles (0.00031%); highest among the groups gnomAD compares: Non-Finnish European, 0.00042%; no homozygotes.

Submission:

Color Diagnostics, LLC DBA Color Health
Classification: Uncertain significance for Familial thoracic aortic aneurysm and aortic dissection. Last evaluated: 2024-03-06. Review status: criteria provided, single submitter. Criteria: ACMG Guidelines, 2015. Collection method: clinical testing. Allele origin: germline.
Comment: This missense variant replaces serine with isoleucine at codon 796 of the COL3A1 protein. Computational prediction suggests that this variant may not impact protein structure and function (internally defined REVEL score threshold <= 0.5, PMID: 27666373). To our knowledge, functional studies have not been reported for this variant. This variant has not been reported in individuals affected with cardiovascular disorders in the literature. This variant has not been identified in the general population by the Genome Aggregation Database (gnomAD). The available evidence is insufficient to determine the role of this variant in disease conclusively. Therefore, this variant is classified as a Variant of Uncertain Significance.

NM_000090.4(COL3A1):c.2387G>T (p.Ser796Ile)

Genes: COL3A1 (collagen type III alpha 1 chain; plus strand), LOC126806446 (P300/CBP strongly-dependent group 1 enhancer GRCh37_chr2:189866210-189867409; plus strand). Cytogenetic location: 2q32.2.
Variant type: single nucleotide variant.
Coding change: c.2387G>T on transcript NM_000090.4 (MANE Select); coding-DNA position 2387, G replaced by T.
Protein change: p.Ser796Ile; replaces serine 796 with isoleucine.
Molecular consequence: missense variant.
Genome position (GRCh38, 1-based): chr2:189,001,585, G>T. VCF-style: chr2-189001585-G-T. GRCh37 (hg19) VCF-style: chr2-189866311-G-T.
Other names: short protein forms S796I.
Identifiers: ClinVar variation 2775124 (VCV002775124.2), dbSNP rs772493390, ClinGen allele CA349842553.